The following is an entry in ClinVar:

ClinVar aggregate classification (germline): Uncertain significance (1 of 4 stars; one submission).

Submission:

Labcorp Genetics (formerly Invitae), Labcorp
Classification: Uncertain significance. Last evaluated: 2024-06-29. Review status: criteria provided, single submitter. Criteria: Invitae Variant Classification Sherloc (09022015). Collection method: clinical testing. Allele origin: germline.
Comment: This sequence change replaces glycine, which is neutral and non-polar, with serine, which is neutral and polar, at codon 229 of the MYO7A protein (p.Gly229Ser). This variant is not present in population databases (gnomAD no frequency). This variant has not been reported in the literature in individuals affected with MYO7A-related conditions. Advanced modeling of protein sequence and biophysical properties (such as structural, functional, and spatial information, amino acid conservation, physicochemical variation, residue mobility, and thermodynamic stability) performed at Invitae indicates that this missense variant is not expected to disrupt MYO7A protein function with a negative predictive value of 95%. In summary, the available evidence is currently insufficient to determine the role of this variant in disease. Therefore, it has been classified as a Variant of Uncertain Significance.

NM_000260.4(MYO7A):c.685G>A (p.Gly229Ser)

Gene: MYO7A (myosin VIIA; plus strand). Cytogenetic location: 11q13.5.
Variant type: single nucleotide variant.
Coding change: c.685G>A on transcript NM_000260.4 (MANE Select); coding-DNA position 685, G replaced by A.
Protein change: p.Gly229Ser; replaces glycine 229 with serine.
Molecular consequence: missense variant.
Genome position (GRCh38, 1-based): chr11:77,156,954, G>A. VCF-style: chr11-77156954-G-A. GRCh37 (hg19) VCF-style: chr11-76868000-G-A.
Other names: c.685G>A, p.Gly229Ser (NM_001127180.2); c.652G>A, p.Gly218Ser (NM_001369365.1); short protein forms G229S, G218S.
Identifiers: ClinVar variation 3719288 (VCV003719288.2).
Genomic context (GRCh38, chr11:77,156,954, plus strand): 5'-AACTCAAGCCGTTTCGGAAAGTACATCGACATCCACTTCAACAAGCGGGGCGCCATCGAG[G>A]GCGCGAAGATTGAGCAGTACCTGCTGGAAAAGTCACGTGTCTGTCGCCAGGTGGGCCTGA-3'
Protein context (NP_000251.3, residues 219-239): IHFNKRGAIE[Gly229Ser]AKIEQYLLEK